The following is an entry in ClinVar:

NM_000718.4(CACNA1B):c.6679C>T (p.Arg2227Trp)

Gene: CACNA1B (calcium voltage-gated channel subunit alpha1 B; plus strand). Cytogenetic location: 9q34.3.
Variant type: single nucleotide variant.
Coding change: c.6679C>T on transcript NM_000718.4 (MANE Select); coding-DNA position 6679, C replaced by T.
Protein change: p.Arg2227Trp; replaces arginine 2227 with tryptophan.
Molecular consequence: missense variant. On other transcripts: synonymous variant (1).
Genome position (GRCh38, 1-based): chr9:138,121,658, C>T. VCF-style: chr9-138121658-C-T. GRCh37 (hg19) VCF-style: chr9-141016110-C-T.
Other names: c.6492C>T, p.Ala2164= (NM_001243812.2); short protein forms R2227W.
Identifiers: ClinVar variation 1958156 (VCV001958156.2), dbSNP rs375535768, ClinGen allele CA5377784.

ClinVar aggregate classification (germline): Uncertain significance (1 of 4 stars; one submission).

Allele frequency attached by ClinVar (database versions not stated): TOPMed below 0.00001; ExAC 0.00002; ESP Exome Variant Server 0.00008.
gnomAD v4.1: 3 of 1,612,926 alleles (0.00019%); highest among the groups gnomAD compares: Admixed American, 0.005%; no homozygotes.

Submission:

Labcorp Genetics (formerly Invitae), Labcorp
Classification: Uncertain significance. Last evaluated: 2022-09-07. Review status: criteria provided, single submitter. Criteria: Invitae Variant Classification Sherloc (09022015). Collection method: clinical testing. Allele origin: germline.
Comment: This sequence change replaces arginine, which is basic and polar, with tryptophan, which is neutral and slightly polar, at codon 2227 of the CACNA1B protein (p.Arg2227Trp). This variant is present in population databases (rs375535768, gnomAD 0.009%). This variant has not been reported in the literature in individuals affected with CACNA1B-related conditions. Advanced modeling of protein sequence and biophysical properties (such as structural, functional, and spatial information, amino acid conservation, physicochemical variation, residue mobility, and thermodynamic stability) performed at Invitae indicates that this missense variant is not expected to disrupt CACNA1B protein function. In summary, the available evidence is currently insufficient to determine the role of this variant in disease. Therefore, it has been classified as a Variant of Uncertain Significance.